The following is an entry in ClinVar:

NM_020975.6(RET):c.346T>C (p.Phe116Leu)

Gene: RET (ret proto-oncogene; plus strand). Cytogenetic location: 10q11.21.
Variant type: single nucleotide variant.
Coding change: c.346T>C on transcript NM_020975.6 (MANE Select); coding-DNA position 346, T replaced by C.
Protein change: p.Phe116Leu; replaces phenylalanine 116 with leucine.
Molecular consequence: missense variant.
Genome position (GRCh38, 1-based): chr10:43,102,350, T>C. VCF-style: chr10-43102350-T-C. GRCh37 (hg19) VCF-style: chr10-43597798-T-C.
Other names: c.346T>C, p.Phe116Leu (NM_001406782.1, NM_020630.7, NM_001406787.1 and 16 more transcripts); short protein forms F116L.
Identifiers: ClinVar variation 1731727 (VCV001731727.5), dbSNP rs1439820916, ClinGen allele CA376770633.

ClinVar aggregate classification (germline): Uncertain significance. Review status: criteria provided, multiple submitters, no conflicts (2 of 4 stars). 2 submissions from 2 submitters: Uncertain significance (2). Last evaluated 2022-12-07.

Conditions:
Multiple endocrine neoplasia, type 2 (MEN2). Identifiers: Orphanet 653, MedGen C4048306, MONDO:0019003. Disease mechanism: gain of function.
Hereditary cancer-predisposing syndrome. Also called: Neoplastic Syndromes, Hereditary; Tumor predisposition; Hereditary Cancer Syndrome; Hereditary neoplastic syndrome. Identifiers: Orphanet 140162, MedGen C0027672, MeSH D009386, MONDO:0015356.

Submissions (2):

Labcorp Genetics (formerly Invitae), Labcorp
Classification: Uncertain significance for Multiple endocrine neoplasia, type 2. Last evaluated: 2022-12-07. Review status: criteria provided, single submitter. Criteria: Invitae Variant Classification Sherloc (09022015). Collection method: clinical testing. Allele origin: germline.
Comment: ClinVar contains an entry for this variant (Variation ID: 1731727). In summary, the available evidence is currently insufficient to determine the role of this variant in disease. Therefore, it has been classified as a Variant of Uncertain Significance. Algorithms developed to predict the effect of missense changes on protein structure and function (SIFT, PolyPhen-2, Align-GVGD) all suggest that this variant is likely to be tolerated. This variant has not been reported in the literature in individuals affected with RET-related conditions. This variant is not present in population databases (gnomAD no frequency). This sequence change replaces phenylalanine, which is neutral and non-polar, with leucine, which is neutral and non-polar, at codon 116 of the RET protein (p.Phe116Leu).

Ambry Genetics
Classification: Uncertain significance for Hereditary cancer-predisposing syndrome. Last evaluated: 2022-02-12. Review status: criteria provided, single submitter. Criteria: Ambry Variant Classification Scheme 2023. Collection method: clinical testing. Allele origin: germline.
Comment: The p.F116L variant (also known as c.346T>C), located in coding exon 3 of the RET gene, results from a T to C substitution at nucleotide position 346. The phenylalanine at codon 116 is replaced by leucine, an amino acid with highly similar properties. This amino acid position is conserved. In addition, this alteration is predicted to be tolerated by in silico analysis. Since supporting evidence is limited at this time, the clinical significance of this alteration remains unclear.